The following is an entry in ClinVar:

NM_002880.4(RAF1):c.1553G>A (p.Arg518Gln)

Gene: RAF1 (Raf-1 proto-oncogene, serine/threonine kinase; minus strand). Cytogenetic location: 3p25.2.
Variant type: single nucleotide variant.
Coding change: c.1553G>A on transcript NM_002880.4 (MANE Select); coding-DNA position 1553, G replaced by A.
Protein change: p.Arg518Gln; replaces arginine 518 with glutamine.
Molecular consequence: missense variant. On other transcripts: non-coding transcript variant (3).
Genome position (GRCh38, 1-based): chr3:12,585,237, C>T on the plus strand (G>A on the coding strand, the complement: RAF1 is on the minus strand). VCF-style: chr3-12585237-C-T. GRCh37 (hg19) VCF-style: chr3-12626736-C-T.
Other names: c.1613G>A, p.Arg538Gln (NM_001354689.3); c.1553G>A, p.Arg518Gln (NM_001354690.3); c.1310G>A, p.Arg437Gln (NM_001354691.3, NM_001354692.3); c.1454G>A, p.Arg485Gln (NM_001354693.3); c.1370G>A, p.Arg457Gln (NM_001354694.3); c.1211G>A, p.Arg404Gln (NM_001354695.3); short protein forms R485Q, R538Q, R404Q, R518Q, R437Q, R457Q.
Identifiers: ClinVar variation 1404355 (VCV001404355.12), dbSNP rs149580968, ClinGen allele CA2259468.

ClinVar aggregate classification (germline): Uncertain significance. Review status: criteria provided, multiple submitters, no conflicts (2 of 4 stars). 5 submissions from 5 submitters: Uncertain significance (5). Last evaluated 2025-11-14.

Conditions:
Cardiovascular phenotype. Identifiers: MedGen CN230736.
RAF1-related disorder. Also called: RAF1-related condition; RAF1-related disorders.
RASopathy. Also called: rasopathies; Noonan spectrum disorder. Identifiers: Orphanet 536391, MedGen C5555857, MONDO:0021060.

Allele frequency attached by ClinVar (database versions not stated): gnomAD exomes below 0.00001 and 0.00001; ExAC 0.00001; gnomAD 0.00001; TOPMed 0.00001; ESP Exome Variant Server 0.00008.
gnomAD v4.1: 7 of 1,613,944 alleles (0.00043%); highest among the groups gnomAD compares: Admixed American, 0.0017%; no homozygotes.

Submissions (5):

Ambry Genetics
Classification: Uncertain significance for Cardiovascular phenotype. Last evaluated: 2025-11-14. Review status: criteria provided, single submitter. Criteria: Ambry Variant Classification Scheme 2023. Collection method: clinical testing. Allele origin: germline.
Comment: The p.R518Q variant (also known as c.1553G>A), located in coding exon 14 of the RAF1 gene, results from a G to A substitution at nucleotide position 1553. The arginine at codon 518 is replaced by glutamine, an amino acid with highly similar properties. This amino acid position is highly conserved in available vertebrate species. In addition, this alteration is predicted to be deleterious by in silico analysis. Based on the available evidence, the clinical significance of this variant remains unclear.

Labcorp Genetics (formerly Invitae), Labcorp
Classification: Uncertain significance for RASopathy. Last evaluated: 2025-03-09. Review status: criteria provided, single submitter. Criteria: Invitae Variant Classification Sherloc (09022015). Collection method: clinical testing. Allele origin: germline.
Comment: This sequence change replaces arginine, which is basic and polar, with glutamine, which is neutral and polar, at codon 518 of the RAF1 protein (p.Arg518Gln). This variant is present in population databases (rs149580968, gnomAD 0.003%). This variant has not been reported in the literature in individuals affected with RAF1-related conditions. ClinVar contains an entry for this variant (Variation ID: 1404355). Invitae Evidence Modeling of protein sequence and biophysical properties (such as structural, functional, and spatial information, amino acid conservation, physicochemical variation, residue mobility, and thermodynamic stability) indicates that this missense variant is expected to disrupt RAF1 protein function with a positive predictive value of 95%. In summary, the available evidence is currently insufficient to determine the role of this variant in disease. Therefore, it has been classified as a Variant of Uncertain Significance.

PreventionGenetics, part of Exact Sciences
Classification: Uncertain significance for RAF1-related condition. Last evaluated: 2025-02-16. Review status: criteria provided, single submitter. Criteria: ACMG Guidelines, 2015. Collection method: clinical testing. Allele origin: germline.
Comment: The RAF1 c.1553G>A variant is predicted to result in the amino acid substitution p.Arg518Gln. To our knowledge, this variant has not been reported in the literature. This variant is reported in 0.0033% of alleles in individuals of South Asian descent in gnomAD. At this time, the clinical significance of this variant is uncertain due to the absence of conclusive functional and genetic evidence.

Blueprint Genetics
Classification: Uncertain significance. Last evaluated: 2022-12-01. Review status: criteria provided, single submitter. Criteria: ACMG Guidelines, 2015. Collection method: clinical testing. Allele origin: germline.

GeneDx
Classification: Uncertain significance. Last evaluated: 2021-09-22. Review status: criteria provided, single submitter. Criteria: GeneDx Variant Classification Process June 2021. Collection method: clinical testing. Allele origin: germline. Affected: yes.
Comment: Has not been previously published as pathogenic or benign to our knowledge; In silico analysis supports that this missense variant has a deleterious effect on protein structure/function; Missense variants in this gene are often considered pathogenic (HGMD)